The following is an entry in ClinVar:

NM_000379.4(XDH):c.3467A>G (p.Tyr1156Cys)

Gene: XDH (xanthine dehydrogenase; minus strand). Cytogenetic location: 2p23.1.
Variant type: single nucleotide variant.
Coding change: c.3467A>G on transcript NM_000379.4 (MANE Select); coding-DNA position 3467, A replaced by G.
Protein change: p.Tyr1156Cys; replaces tyrosine 1156 with cysteine.
Molecular consequence: missense variant.
Genome position (GRCh38, 1-based): chr2:31,342,235, T>C on the plus strand (A>G on the coding strand, the complement: XDH is on the minus strand). VCF-style: chr2-31342235-T-C. GRCh37 (hg19) VCF-style: chr2-31565101-T-C.
Other names: c.3467A>G (NM_000379.3); short protein forms Y1156C.
Identifiers: ClinVar variation 2179050 (VCV002179050.5), dbSNP rs762408301, ClinGen allele CA1598374.

ClinVar aggregate classification (germline): Uncertain significance. Review status: criteria provided, multiple submitters, no conflicts (2 of 4 stars). 2 submissions from 2 submitters: Uncertain significance (2). Last evaluated 2022-08-15.

Conditions:
Xanthinuria type II. Also called: Xanthine dehydrogenase and aldehyde oxidase combined deficiency of; XDH and AOX dual deficiency. Identifiers: Orphanet 3467, Orphanet 93602, MedGen C1863688, MONDO:0011346, OMIM 603592.
Inborn genetic diseases. Identifiers: MedGen C0950123, MeSH D030342.

Allele frequency attached by ClinVar (database versions not stated): gnomAD 0.00001; gnomAD exomes 0.00001; ExAC 0.00002; TOPMed 0.00002.

Submissions (2):

Labcorp Genetics (formerly Invitae), Labcorp
Classification: Uncertain significance for Xanthinuria type II. Last evaluated: 2022-08-15. Review status: criteria provided, single submitter. Criteria: Invitae Variant Classification Sherloc (09022015). Collection method: clinical testing. Allele origin: germline.
Comment: This sequence change replaces tyrosine, which is neutral and polar, with cysteine, which is neutral and slightly polar, at codon 1156 of the XDH protein (p.Tyr1156Cys). In summary, the available evidence is currently insufficient to determine the role of this variant in disease. Therefore, it has been classified as a Variant of Uncertain Significance. Algorithms developed to predict the effect of missense changes on protein structure and function output the following: SIFT: "Deleterious"; PolyPhen-2: "Benign"; Align-GVGD: "Class C15". The cysteine amino acid residue is found in multiple mammalian species, which suggests that this missense change does not adversely affect protein function. This variant has not been reported in the literature in individuals affected with XDH-related conditions. This variant is present in population databases (rs762408301, gnomAD 0.01%).

Ambry Genetics
Classification: Uncertain significance for Inborn genetic diseases. Last evaluated: 2022-01-07. Review status: criteria provided, single submitter. Criteria: Ambry Variant Classification Scheme 2023. Collection method: clinical testing. Allele origin: germline.